The following is an entry in ClinVar:

NM_138694.4(PKHD1):c.5473A>G (p.Met1825Val)

Gene: PKHD1 (PKHD1 ciliary IPT domain containing fibrocystin/polyductin; minus strand). Cytogenetic location: 6p12.2.
Variant type: single nucleotide variant.
Coding change: c.5473A>G on transcript NM_138694.4 (MANE Select); coding-DNA position 5473, A replaced by G.
Protein change: p.Met1825Val; replaces methionine 1825 with valine.
Molecular consequence: missense variant.
Genome position (GRCh38, 1-based): chr6:52,017,537, T>C on the plus strand (A>G on the coding strand, the complement: PKHD1 is on the minus strand). VCF-style: chr6-52017537-T-C. GRCh37 (hg19) VCF-style: chr6-51882335-T-C.
Other names: c.5473A>G, p.Met1825Val (NM_170724.3); short protein forms M1825V.
Identifiers: ClinVar variation 2145933 (VCV002145933.4), dbSNP rs2538215822, ClinGen allele CA364425937.

ClinVar aggregate classification (germline): Uncertain significance (1 of 4 stars; one submission).

Conditions:
Autosomal recessive polycystic kidney disease (ARPKD). Also called: AR polycystic kidney disease. Identifiers: Orphanet 731, Orphanet 8378, MedGen C0085548, MeSH D017044, MONDO:0009889.

Allele frequency attached by ClinVar (database versions not stated): gnomAD exomes 0.00001.

Submission:

Labcorp Genetics (formerly Invitae), Labcorp
Classification: Uncertain significance for Autosomal recessive polycystic kidney disease. Last evaluated: 2024-10-28. Review status: criteria provided, single submitter. Criteria: Invitae Variant Classification Sherloc (09022015). Collection method: clinical testing. Allele origin: germline.
Comment: This sequence change replaces methionine, which is neutral and non-polar, with valine, which is neutral and non-polar, at codon 1825 of the PKHD1 protein (p.Met1825Val). This variant is not present in population databases (gnomAD no frequency). This variant has not been reported in the literature in individuals affected with PKHD1-related conditions. ClinVar contains an entry for this variant (Variation ID: 2145933). Invitae Evidence Modeling of protein sequence and biophysical properties (such as structural, functional, and spatial information, amino acid conservation, physicochemical variation, residue mobility, and thermodynamic stability) indicates that this missense variant is not expected to disrupt PKHD1 protein function with a negative predictive value of 95%. In summary, the available evidence is currently insufficient to determine the role of this variant in disease. Therefore, it has been classified as a Variant of Uncertain Significance.